The following is an entry in ClinVar:

ClinVar aggregate classification (germline): Uncertain significance (1 of 4 stars; one submission).

Submission:

Labcorp Genetics (formerly Invitae), Labcorp
Classification: Uncertain significance. Last evaluated: 2022-05-20. Review status: criteria provided, single submitter. Criteria: Invitae Variant Classification Sherloc (09022015). Collection method: clinical testing. Allele origin: germline.
Comment: In summary, the available evidence is currently insufficient to determine the role of this variant in disease. Therefore, it has been classified as a Variant of Uncertain Significance. Algorithms developed to predict the effect of missense changes on protein structure and function (SIFT, PolyPhen-2, Align-GVGD) all suggest that this variant is likely to be disruptive. This variant has not been reported in the literature in individuals affected with NBAS-related conditions. This variant is not present in population databases (gnomAD no frequency). This sequence change replaces lysine, which is basic and polar, with asparagine, which is neutral and polar, at codon 1086 of the NBAS protein (p.Lys1086Asn).

NM_015909.4(NBAS):c.3258G>C (p.Lys1086Asn)

Gene: NBAS (NBAS subunit of NRZ tethering complex; minus strand). Cytogenetic location: 2p24.3.
Variant type: single nucleotide variant.
Coding change: c.3258G>C on transcript NM_015909.4 (MANE Select); coding-DNA position 3258, G replaced by C.
Protein change: p.Lys1086Asn; replaces lysine 1086 with asparagine.
Molecular consequence: missense variant. On other transcripts: non-coding transcript variant (1).
Genome position (GRCh38, 1-based): chr2:15,383,317, C>G on the plus strand (G>C on the coding strand, the complement: NBAS is on the minus strand). VCF-style: chr2-15383317-C-G. GRCh37 (hg19) VCF-style: chr2-15523441-C-G.
Other names: short protein forms K1086N.
Identifiers: ClinVar variation 1996969 (VCV001996969.4), dbSNP rs1193685435, ClinGen allele CA345898179.